The following is an entry in ClinVar:

ClinVar aggregate classification (germline): Likely pathogenic. Review status: criteria provided, multiple submitters, no conflicts (2 of 4 stars). 2 submissions from 2 submitters: Likely pathogenic (2). Last evaluated 2025-06-27.

Conditions:
Dilated cardiomyopathy 1G (CMD1G). Identifiers: Orphanet 154, MedGen C1858763, MONDO:0011400, OMIM 604145.
Autosomal recessive limb-girdle muscular dystrophy type 2J (LGMDR10). Also called: Limb-girdle muscular dystrophy, type 2J; MUSCULAR DYSTROPHY, LIMB-GIRDLE, AUTOSOMAL RECESSIVE 10. Identifiers: Orphanet 140922, MedGen C1837342, MONDO:0012127, OMIM 608807.
Cardiomyopathy (CMYO). Also called: Cardiomyopathies. Identifiers: Orphanet 167848, MedGen C0878544, MONDO:0004994, HP:0001638. Inheritance: Various modes of inheritance.

Submissions (2):

Labcorp Genetics (formerly Invitae), Labcorp
Classification: Likely pathogenic for Dilated cardiomyopathy 1G; Autosomal recessive limb-girdle muscular dystrophy type 2J. Last evaluated: 2025-06-27. Review status: criteria provided, single submitter. Criteria: Invitae Variant Classification Sherloc (09022015). Collection method: clinical testing. Allele origin: germline.
Comment: This sequence change creates a premature translational stop signal (p.Asp21900Argfs*40) in the TTN gene. While this is not anticipated to result in nonsense mediated decay, it is expected to create a truncated TTN protein. This variant is not present in population databases (gnomAD no frequency). This variant has not been reported in the literature in individuals affected with TTN-related conditions. ClinVar contains an entry for this variant (Variation ID: 1329178). This variant is located in the A band of TTN (PMID: 25589632). Truncating variants in this region are significantly overrepresented in patients affected with dilated cardiomyopathy (PMID: 25589632). Truncating variants in this region have also been reported in individuals affected with autosomal recessive centronuclear myopathy (PMID: 23975875). In summary, the currently available evidence indicates that the variant is pathogenic, but additional data are needed to prove that conclusively. Therefore, this variant has been classified as Likely Pathogenic.

CHEO Genetics Diagnostic Laboratory, Children's Hospital of Eastern Ontario
Classification: Likely pathogenic for Cardiomyopathy. Last evaluated: 2020-05-14. Review status: criteria provided, single submitter. Criteria: ACMG Guidelines, 2015. Collection method: clinical testing. Allele origin: germline.

Literature cited by the submitters: PubMed 25589632 (cited by Labcorp Genetics (formerly Invitae), Labcorp); PubMed 23975875 (cited by Labcorp Genetics (formerly Invitae), Labcorp).

NM_001267550.2(TTN):c.65697dup (p.Asp21900fs)

Genes: TTN-AS1 (TTN antisense RNA 1; plus strand), TTN (titin; minus strand). Cytogenetic location: 2q31.2.
Variant type: Duplication.
Coding change: c.65697dup on transcript NM_001267550.2 (MANE Select); coding-DNA position 65697, one base duplicated (A; older notation c.65697dupA).
Protein change: p.Asp21900fs; shifts the reading frame from aspartic acid 21900.
Molecular consequence: frameshift variant. On other transcripts: non-coding transcript variant (1).
Genome position (GRCh38, 1-based): chr2:178,583,106, T duplicated on the plus strand (A on the coding strand, the reverse complement: TTN is on the minus strand); the first of 6 consecutive T bases (chr2:178,583,106-178,583,111); duplicating any one gives the same sequence. VCF-style (leftmost placement, unchanged base first): chr2-178583105-C-CT. GRCh37 (hg19) VCF-style: chr2-179447832-C-CT.
Other names: c.60774dup, p.Asp20259fs (NM_001256850.1); c.38502dup, p.Asp12835fs (NM_003319.4); c.57993dup, p.Asp19332fs (NM_133378.4); c.38877dup, p.Asp12960fs (NM_133432.3); c.39078dup, p.Asp13027fs (NM_133437.4); short protein forms D12835fs, D12960fs, D13027fs, D19332fs, D20259fs, D21900fs.
Identifiers: ClinVar variation 1329178 (VCV001329178.4), dbSNP rs2154178712, ClinGen allele CA645518116.